The following is an entry in ClinVar:

NM_002485.5(NBN):c.866G>T (p.Trp289Leu)

Gene: NBN (nibrin; minus strand). Cytogenetic location: 8q21.3.
Variant type: single nucleotide variant.
Coding change: c.866G>T on transcript NM_002485.5 (MANE Select); coding-DNA position 866, G replaced by T.
Protein change: p.Trp289Leu; replaces tryptophan 289 with leucine.
Molecular consequence: missense variant.
Genome position (GRCh38, 1-based): chr8:89,970,394, C>A on the plus strand (G>T on the coding strand, the complement: NBN is on the minus strand). VCF-style: chr8-89970394-C-A. GRCh37 (hg19) VCF-style: chr8-90982622-C-A.
Other names: c.620G>T, p.Trp207Leu (NM_001024688.3); short protein forms W289L, W207L.
Identifiers: ClinVar variation 232987 (VCV000232987.18), dbSNP rs876660117, ClinGen allele CA10578788.

ClinVar aggregate classification (germline): Uncertain significance. Review status: criteria provided, multiple submitters, no conflicts (2 of 4 stars). 3 submissions from 3 submitters: Uncertain significance (3). Last evaluated 2024-02-12.

Conditions:
Hereditary cancer-predisposing syndrome. Also called: Hereditary Cancer Syndrome; Neoplastic Syndromes, Hereditary; Tumor predisposition; Hereditary neoplastic syndrome. Identifiers: Orphanet 140162, MedGen C0027672, MeSH D009386, MONDO:0015356.
Microcephaly, normal intelligence and immunodeficiency (NBS). Also called: BERLIN BREAKAGE SYNDROME; Ataxia telangiectasia variant V1; IMMUNODEFICIENCY, MICROCEPHALY, AND CHROMOSOMAL INSTABILITY; SEEMANOVA SYNDROME II; Nijmegen breakage syndrome; Microcephaly with normal intelligence immunodeficiency and lymphoreticular malignancies. Identifiers: Orphanet 647, MedGen C0398791, MONDO:0009623, OMIM 251260.

Submissions (3):

Labcorp Genetics (formerly Invitae), Labcorp
Classification: Uncertain significance for Microcephaly, normal intelligence and immunodeficiency. Last evaluated: 2024-02-12. Review status: criteria provided, single submitter. Criteria: Invitae Variant Classification Sherloc (09022015). Collection method: clinical testing. Allele origin: germline.
Comment: This sequence change replaces tryptophan, which is neutral and slightly polar, with leucine, which is neutral and non-polar, at codon 289 of the NBN protein (p.Trp289Leu). This variant is not present in population databases (gnomAD no frequency). This variant has not been reported in the literature in individuals affected with NBN-related conditions. ClinVar contains an entry for this variant (Variation ID: 232987). Algorithms developed to predict the effect of missense changes on protein structure and function output the following: SIFT: "Not Available"; PolyPhen-2: "Benign"; Align-GVGD: "Not Available". The leucine amino acid residue is found in multiple mammalian species, which suggests that this missense change does not adversely affect protein function. In summary, the available evidence is currently insufficient to determine the role of this variant in disease. Therefore, it has been classified as a Variant of Uncertain Significance.

Ambry Genetics
Classification: Uncertain significance for Hereditary cancer-predisposing syndrome. Last evaluated: 2022-03-14. Review status: criteria provided, single submitter. Criteria: Ambry Variant Classification Scheme 2023. Collection method: clinical testing. Allele origin: germline.
Comment: The p.W289L variant (also known as c.866G>T), located in coding exon 7 of the NBN gene, results from a G to T substitution at nucleotide position 866. The tryptophan at codon 289 is replaced by leucine, an amino acid with similar properties. This amino acid position is well conserved in available vertebrate species. In addition, this alteration is predicted to be tolerated by in silico analysis. Since supporting evidence is limited at this time, the clinical significance of this alteration remains unclear.

Genome-Nilou Lab
Classification: Uncertain significance for Microcephaly, normal intelligence and immunodeficiency. Last evaluated: 2021-11-07. Review status: criteria provided, single submitter. Criteria: ACMG Guidelines, 2015. Collection method: clinical testing. Allele origin: germline. Affected: no.